The following is an entry in ClinVar:

ClinVar aggregate classification (germline): Uncertain significance. Review status: criteria provided, multiple submitters, no conflicts (2 of 4 stars). 2 submissions from 2 submitters: Uncertain significance (2). Last evaluated 2025-10-18.

Conditions:
Ataxia-telangiectasia syndrome (AT). Also called: LOUIS-BAR SYNDROME; Cerebello-oculocutaneous telangiectasia; Immunodeficiency with ataxia telangiectasia; Ataxia telangiectasia (A-T); ATAXIA-TELANGIECTASIA, COMPLEMENTATION GROUP A; ATAXIA-TELANGIECTASIA, FRESNO VARIANT. Identifiers: Orphanet 100, MedGen C0004135, MONDO:0008840, OMIM 208900.

gnomAD v4.1: 1 of 1,614,082 alleles (0.000062%); no homozygotes.

Submissions (2):

Women's Health and Genetics/Laboratory Corporation of America, LabCorp
Classification: Uncertain significance. Last evaluated: 2025-10-18. Review status: criteria provided, single submitter. Criteria: LabCorp Variant Classification Summary - May 2015. Collection method: clinical testing. Allele origin: germline.

Labcorp Genetics (formerly Invitae), Labcorp
Classification: Uncertain significance for Ataxia-telangiectasia syndrome. Last evaluated: 2023-04-17. Review status: criteria provided, single submitter. Criteria: Invitae Variant Classification Sherloc (09022015). Collection method: clinical testing. Allele origin: germline.
Comment: In summary, the available evidence is currently insufficient to determine the role of this variant in disease. Therefore, it has been classified as a Variant of Uncertain Significance. Algorithms developed to predict the effect of sequence changes on RNA splicing suggest that this variant may create or strengthen a splice site. An algorithm developed to predict the effect of missense changes on protein structure and function (PolyPhen-2) suggests that this variant is likely to be tolerated. This variant has not been reported in the literature in individuals affected with ATM-related conditions. This variant is not present in population databases (gnomAD no frequency). This sequence change replaces valine, which is neutral and non-polar, with leucine, which is neutral and non-polar, at codon 682 of the ATM protein (p.Val682Leu).

NM_000051.4(ATM):c.2044G>C (p.Val682Leu)

Gene: ATM (ATM serine/threonine kinase; plus strand). Cytogenetic location: 11q22.3.
Variant type: single nucleotide variant.
Coding change: c.2044G>C on transcript NM_000051.4 (MANE Select); coding-DNA position 2044, G replaced by C.
Protein change: p.Val682Leu; replaces valine 682 with leucine.
Molecular consequence: missense variant.
Genome position (GRCh38, 1-based): chr11:108,253,959, G>C. VCF-style: chr11-108253959-G-C. GRCh37 (hg19) VCF-style: chr11-108124686-G-C.
Other names: c.2044G>C, p.Val682Leu (NM_001351834.2); short protein forms V682L.
Identifiers: ClinVar variation 2857122 (VCV002857122.4), dbSNP rs2135369797, ClinGen allele CA382537424.